The following is an entry in ClinVar:

NM_001105206.3(LAMA4):c.256G>A (p.Gly86Ser)

Gene: LAMA4 (laminin subunit alpha 4; minus strand). Cytogenetic location: 6q21.
Variant type: single nucleotide variant.
Coding change: c.256G>A on transcript NM_001105206.3 (MANE Select); coding-DNA position 256, G replaced by A.
Protein change: p.Gly86Ser; replaces glycine 86 with serine.
Molecular consequence: missense variant.
Genome position (GRCh38, 1-based): chr6:112,216,409, C>T on the plus strand (G>A on the coding strand, the complement: LAMA4 is on the minus strand). VCF-style: chr6-112216409-C-T. GRCh37 (hg19) VCF-style: chr6-112537610-C-T.
Other names: c.256G>A, p.Gly86Ser (NM_001105207.3, NM_002290.5); short protein forms G86S.
Identifiers: ClinVar variation 3222036 (VCV003222036.1), dbSNP rs2547212907, ClinGen allele CA365518118.

ClinVar aggregate classification (germline): Uncertain significance (1 of 4 stars; one submission).

Conditions:
Cardiovascular phenotype. Identifiers: MedGen CN230736.

Submission:

Ambry Genetics
Classification: Uncertain significance for Cardiovascular phenotype. Last evaluated: 2023-12-11. Review status: criteria provided, single submitter. Criteria: Ambry Variant Classification Scheme 2023. Collection method: clinical testing. Allele origin: germline.
Comment: The p.G86S variant (also known as c.256G>A), located in coding exon 2 of the LAMA4 gene, results from a G to A substitution at nucleotide position 256. The glycine at codon 86 is replaced by serine, an amino acid with similar properties. This amino acid position is conserved. In addition, the in silico prediction for this alteration is inconclusive. Since supporting evidence is limited at this time, the clinical significance of this alteration remains unclear.